The following is an entry in ClinVar:

ClinVar aggregate classification (germline): Uncertain significance (1 of 4 stars; one submission).

Conditions:
Hereditary sensory and autonomic neuropathy type 6. Also called: HSAN VI; Neuropathy, hereditary sensory and autonomic, type VI. Identifiers: Orphanet 314381, MedGen C3539003, MONDO:0013839, OMIM 614653.
Epidermolysis bullosa simplex 3, localized or generalized intermediate, with BP230 deficiency (EBS3). Also called: Epidermolysis bullosa simplex due to BP230 deficiency; Epidermolysis bullosa simplex, autosomal recessive 2. Identifiers: Orphanet 412181, MedGen C3809470, MONDO:0014180, OMIM 615425.

Allele frequency attached by ClinVar (database versions not stated): gnomAD exomes below 0.00001; ExAC 0.00001; TOPMed 0.00002.
gnomAD v4.1: 5 of 1,614,166 alleles (0.00031%); highest among the groups gnomAD compares: Admixed American, 0.0017%; no homozygotes.

Submission:

Labcorp Genetics (formerly Invitae), Labcorp
Classification: Uncertain significance for Epidermolysis bullosa simplex 3, localized or generalized intermediate, with BP230 deficiency; Hereditary sensory and autonomic neuropathy type 6. Last evaluated: 2019-12-03. Review status: criteria provided, single submitter. Criteria: Invitae Variant Classification Sherloc (09022015). Collection method: clinical testing. Allele origin: germline.
Comment: This variant has not been reported in the literature in individuals with DST-related conditions. Algorithms developed to predict the effect of missense changes on protein structure and function are either unavailable or do not agree on the potential impact of this missense change (SIFT: "Deleterious"; PolyPhen-2: "Benign"; Align-GVGD: "Class C25"). Algorithms developed to predict the effect of sequence changes on RNA splicing suggest that this variant may create or strengthen a splice site, but this prediction has not been confirmed by published transcriptional studies. In summary, the available evidence is currently insufficient to determine the role of this variant in disease. Therefore, it has been classified as a Variant of Uncertain Significance. This variant is present in population databases (rs770154837, ExAC 0.009%). This sequence change replaces isoleucine with valine at codon 2267 of the DST protein (p.Ile2267Val). The isoleucine residue is highly conserved and there is a small physicochemical difference between isoleucine and valine.

NM_001723.7(DST):c.6799A>G (p.Ile2267Val)

Gene: DST (dystonin; minus strand). Cytogenetic location: 6p12.1.
Variant type: single nucleotide variant.
Coding change: c.6799A>G on transcript NM_001723.7 (MANE Plus Clinical); coding-DNA position 6799, A replaced by G.
Protein change: p.Ile2267Val; replaces isoleucine 2267 with valine.
Molecular consequence: missense variant. On other transcripts: intron variant (10).
Genome position (GRCh38, 1-based): chr6:56,616,668, T>C on the plus strand (A>G on the coding strand, the complement: DST is on the minus strand). VCF-style: chr6-56616668-T-C. GRCh37 (hg19) VCF-style: chr6-56481466-T-C.
Other names: c.4831-2184A>G (NM_001144769.5); c.4930-2184A>G (NM_001374722.1, NM_001374736.1); c.4957-2184A>G (NM_001374734.1); c.4417-2184A>G (NM_001144770.2); c.4297-2184A>G (NM_001374730.1, NM_001386100.1, NM_183380.4 and 1 more transcripts); c.3319-2184A>G (NM_015548.5); short protein forms I2267V.
Identifiers: ClinVar variation 840100 (VCV000840100.10), dbSNP rs770154837, ClinGen allele CA3870091.